The following is an entry in ClinVar:

ClinVar aggregate classification (germline): Uncertain significance (1 of 4 stars; one submission).

gnomAD v4.1: 22 of 1,613,828 alleles (0.0014%); highest among the groups gnomAD compares: South Asian, 0.011%; no homozygotes.

Submission:

Labcorp Genetics (formerly Invitae), Labcorp
Classification: Uncertain significance. Last evaluated: 2025-06-14. Review status: criteria provided, single submitter. Criteria: Invitae Variant Classification Sherloc (09022015). Collection method: clinical testing. Allele origin: germline.
Comment: This sequence change replaces alanine, which is neutral and non-polar, with threonine, which is neutral and polar, at codon 2229 of the FLNB protein (p.Ala2229Thr). The frequency data for this variant in the population databases is considered unreliable, as metrics indicate poor data quality at this position in the gnomAD database. This variant has not been reported in the literature in individuals affected with FLNB-related conditions. Invitae Evidence Modeling of protein sequence and biophysical properties (such as structural, functional, and spatial information, amino acid conservation, physicochemical variation, residue mobility, and thermodynamic stability) indicates that this missense variant is not expected to disrupt FLNB protein function with a negative predictive value of 80%. In summary, the available evidence is currently insufficient to determine the role of this variant in disease. Therefore, it has been classified as a Variant of Uncertain Significance.

NM_001457.4(FLNB):c.6685G>A (p.Ala2229Thr)

Gene: FLNB (filamin B; plus strand). Cytogenetic location: 3p14.3.
Variant type: single nucleotide variant.
Coding change: c.6685G>A on transcript NM_001457.4 (MANE Select); coding-DNA position 6685, G replaced by A.
Protein change: p.Ala2229Thr; replaces alanine 2229 with threonine.
Molecular consequence: missense variant.
Genome position (GRCh38, 1-based): chr3:58,154,841, G>A. VCF-style: chr3-58154841-G-A. GRCh37 (hg19) VCF-style: chr3-58140568-G-A.
Other names: c.6778G>A, p.Ala2260Thr (NM_001164317.2); c.6652G>A, p.Ala2218Thr (NM_001164318.2); c.6613G>A, p.Ala2205Thr (NM_001164319.2); short protein forms A2260T, A2229T, A2205T, A2218T.
Identifiers: ClinVar variation 4767158 (VCV004767158.1).
Genomic context (GRCh38, chr3:58,154,841, plus strand): 5'-TTGCTCTCAGCTGAGTTCAGCATTTGGACCCGGGAAGCAGGCGCTGGAGGCCTCTCCATC[G>A]CTGTTGAGGGCCCCAGTAAGGCCGAGATTACATTCGATGACCATAAAAATGGGTCGTGCG-3'
Protein context (NP_001448.2, residues 2219-2239): REAGAGGLSI[Ala2229Thr]VEGPSKAEIT